The following is an entry in ClinVar:

NM_002617.4(PEX10):c.916del (p.Glu306fs)

Gene: PEX10 (peroxisomal biogenesis factor 10; minus strand). Cytogenetic location: 1p36.32.
Variant type: Deletion.
Coding change: c.916del on transcript NM_002617.4 (MANE Select); coding-DNA position 916, one base deleted (G; older notation c.916delG).
Protein change: p.Glu306fs; shifts the reading frame from glutamic acid 306.
Molecular consequence: frameshift variant. On other transcripts: non-coding transcript variant (1).
Genome position (GRCh38, 1-based): chr1:2,405,831, C deleted on the plus strand (G on the coding strand, the reverse complement: PEX10 is on the minus strand); the first of 2 consecutive C bases (chr1:2,405,831-2,405,832); deleting either gives the same sequence. VCF-style (leftmost placement, unchanged base first): chr1-2405830-TC-T. GRCh37 (hg19) VCF-style: chr1-2337269-TC-T.
Other names: c.973del, p.Glu325fs (NM_001374425.1); c.541del, p.Glu181fs (NM_001374426.1); c.484del, p.Glu162fs (NM_001374427.1); c.976del, p.Glu326fs (NM_153818.2); short protein forms E162fs, E181fs, E306fs, E325fs, E326fs.
Identifiers: ClinVar variation 1465507 (VCV001465507.8), dbSNP rs2100419143, ClinGen allele CA2573131878.

ClinVar aggregate classification (germline): Likely pathogenic (1 of 4 stars; one submission).

Conditions:
Peroxisome biogenesis disorder, complementation group 7 (CG7). Also called: Peroxisome biogenesis disorder, complementation group B. Identifiers: MedGen C1864399.

Submission:

Labcorp Genetics (formerly Invitae), Labcorp
Classification: Likely pathogenic for Peroxisome biogenesis disorder, complementation group 7. Last evaluated: 2020-12-01. Review status: criteria provided, single submitter. Criteria: Invitae Variant Classification Sherloc (09022015). Collection method: clinical testing. Allele origin: germline.
Comment: In summary, the currently available evidence indicates that the variant is pathogenic, but additional data are needed to prove that conclusively. Therefore, this variant has been classified as Likely Pathogenic. This sequence change results in a frameshift in the PEX10 gene (p.Glu326Serfs*38). While this is not anticipated to result in nonsense mediated decay, it is expected to disrupt the last 21 amino acid(s) of the PEX10 protein and extend the protein by 16 additional amino acid residues. This variant is not present in population databases (ExAC no frequency). This variant has not been reported in the literature in individuals with PEX10-related conditions. This variant disrupts the p.Arg331 amino acid residue in PEX10. Other variant(s) that disrupt this residue have been determined to be pathogenic (PMID: 27230853, 20695019). This suggests that this residue is clinically significant, and that variants that disrupt this residue are likely to be disease-causing.

Literature cited by the submitters: PubMed 27230853; PubMed 20695019.